The following is an entry in ClinVar:

ClinVar aggregate classification (germline): Uncertain significance (1 of 4 stars; one submission).

Submission:

Labcorp Genetics (formerly Invitae), Labcorp
Classification: Uncertain significance. Last evaluated: 2021-11-12. Review status: criteria provided, single submitter. Criteria: Invitae Variant Classification Sherloc (09022015). Collection method: clinical testing. Allele origin: germline.
Comment: In summary, the available evidence is currently insufficient to determine the role of this variant in disease. Therefore, it has been classified as a Variant of Uncertain Significance. Algorithms developed to predict the effect of missense changes on protein structure and function (SIFT, PolyPhen-2, Align-GVGD) all suggest that this variant is likely to be tolerated. This variant has not been reported in the literature in individuals affected with GNPTG-related conditions. This variant is not present in population databases (gnomAD no frequency). This sequence change replaces threonine, which is neutral and polar, with proline, which is neutral and non-polar, at codon 274 of the GNPTG protein (p.Thr274Pro).

NM_032520.5(GNPTG):c.820A>C (p.Thr274Pro)

Gene: GNPTG (N-acetylglucosamine-1-phosphate transferase subunit gamma; plus strand). Cytogenetic location: 16p13.3.
Variant type: single nucleotide variant.
Coding change: c.820A>C on transcript NM_032520.5 (MANE Select); coding-DNA position 820, A replaced by C.
Protein change: p.Thr274Pro; replaces threonine 274 with proline.
Molecular consequence: missense variant.
Genome position (GRCh38, 1-based): chr16:1,362,903, A>C. VCF-style: chr16-1362903-A-C. GRCh37 (hg19) VCF-style: chr16-1412904-A-C.
Other names: short protein forms T274P.
Identifiers: ClinVar variation 1469555 (VCV001469555.6), dbSNP rs2141865648, ClinGen allele CA394188819.